The following is an entry in ClinVar:

NM_016122.3(CEP83):c.604G>C (p.Asp202His)

Gene: CEP83 (centrosomal protein 83; minus strand). Cytogenetic location: 12q22.
Variant type: single nucleotide variant.
Coding change: c.604G>C on transcript NM_016122.3 (MANE Select); coding-DNA position 604, G replaced by C.
Protein change: p.Asp202His; replaces aspartic acid 202 with histidine.
Molecular consequence: missense variant. On other transcripts: non-coding transcript variant (3).
Genome position (GRCh38, 1-based): chr12:94,378,988, C>G on the plus strand (G>C on the coding strand, the complement: CEP83 is on the minus strand). VCF-style: chr12-94378988-C-G. GRCh37 (hg19) VCF-style: chr12-94772764-C-G.
Other names: c.604G>C, p.Asp202His (NM_001042399.2, NM_001346457.2, NM_001346460.2 and 3 more transcripts); c.292G>C, p.Asp98His (NM_001346458.2, NM_001346459.2, NM_001346462.2 and 2 more transcripts); c.379G>C, p.Asp127His (NM_001368041.1); c.67G>C, p.Asp23His (NM_001368042.1); short protein forms D23H, D127H, D202H, D98H.
Identifiers: ClinVar variation 942083 (VCV000942083.7), dbSNP rs200161629, ClinGen allele CA6721883.

ClinVar aggregate classification (germline): Uncertain significance. Review status: criteria provided, multiple submitters, no conflicts (2 of 4 stars). 2 submissions from 2 submitters: Uncertain significance (2). Last evaluated 2025-01-20.

Conditions:
Nephronophthisis 18 (NPHP18). Identifiers: Orphanet 655, MedGen C3890591, MONDO:0014374, OMIM 615862.

Allele frequency attached by ClinVar (database versions not stated): ExAC 0.00004; gnomAD 0.00007; TOPMed 0.00009; ESP Exome Variant Server 0.00017.
gnomAD v4.1: 129 of 1,613,250 alleles (0.008%); highest among the groups gnomAD compares: Non-Finnish European, 0.011%; no homozygotes.

Submissions (2):

Labcorp Genetics (formerly Invitae), Labcorp
Classification: Uncertain significance for Nephronophthisis 18. Last evaluated: 2025-01-20. Review status: criteria provided, single submitter. Criteria: Invitae Variant Classification Sherloc (09022015). Collection method: clinical testing. Allele origin: germline.
Comment: This sequence change replaces aspartic acid, which is acidic and polar, with histidine, which is basic and polar, at codon 202 of the CEP83 protein (p.Asp202His). This variant is present in population databases (rs200161629, gnomAD 0.01%). This variant has not been reported in the literature in individuals affected with CEP83-related conditions. ClinVar contains an entry for this variant (Variation ID: 942083). Invitae Evidence Modeling of protein sequence and biophysical properties (such as structural, functional, and spatial information, amino acid conservation, physicochemical variation, residue mobility, and thermodynamic stability) indicates that this missense variant is expected to disrupt CEP83 protein function with a positive predictive value of 80%. In summary, the available evidence is currently insufficient to determine the role of this variant in disease. Therefore, it has been classified as a Variant of Uncertain Significance.

Blueprint Genetics
Classification: Uncertain significance. Last evaluated: 2023-11-16. Review status: criteria provided, single submitter. Criteria: ACMG Guidelines, 2015. Collection method: clinical testing. Allele origin: germline.